The following is an entry in ClinVar:

ClinVar aggregate classification (germline): Benign (1 of 4 stars; one submission).

Conditions:
Parkinson Disease, Dominant/Recessive.

Allele frequency attached by ClinVar (database versions not stated): gnomAD 0.00785; 1000 Genomes Project 0.00899; TOPMed 0.00947; 1000 Genomes Project 30x 0.00999.

Submission:

Illumina Laboratory Services, Illumina
Classification: Benign for Parkinson Disease, Dominant/Recessive. Last evaluated: 2018-01-12. Review status: criteria provided, single submitter. Criteria: ICSL Variant Classification Criteria 13 December 2019. Collection method: clinical testing. Allele origin: germline.
Comment: This variant was observed in the ICSL laboratory as part of a predisposition screen in an ostensibly healthy population. It had not been previously curated by ICSL or reported in the Human Gene Mutation Database (HGMD: prior to June 1st, 2018), and was therefore a candidate for classification through an automated scoring system. Utilizing variant allele frequency, disease prevalence and penetrance estimates, and inheritance mode, an automated score was calculated to assess if this variant is too frequent to cause the disease. Based on the score and internal cut-off values, a variant classified as benign is not then subjected to further curation. The score for this variant resulted in a classification of benign for this disease.

NM_005460.4(SNCAIP):c.-49C>G

Gene: SNCAIP (synuclein alpha interacting protein; plus strand). Cytogenetic location: 5q23.2.
Variant type: single nucleotide variant.
Coding change: c.-49C>G on transcript NM_005460.4 (MANE Select); 49 bases upstream of the start codon, C replaced by G.
Molecular consequence: 5 prime UTR variant.
Genome position (GRCh38, 1-based): chr5:122,312,282, C>G. VCF-style: chr5-122312282-C-G. GRCh37 (hg19) VCF-style: chr5-121647977-C-G.
Other names: c.-95C>G (NM_001242935.3, NM_001308107.2, NM_001308109.2); c.-1353C>G (NM_001308100.2).
Identifiers: ClinVar variation 350479 (VCV000350479.5), dbSNP rs192969505, ClinGen allele CA10619899.